The following is an entry in ClinVar:

NM_001084.5(PLOD3):c.833G>A (p.Gly278Asp)

Gene: PLOD3 (procollagen-lysine,2-oxoglutarate 5-dioxygenase 3; minus strand). Cytogenetic location: 7q22.1.
Variant type: single nucleotide variant.
Coding change: c.833G>A on transcript NM_001084.5 (MANE Select); coding-DNA position 833, G replaced by A.
Protein change: p.Gly278Asp; replaces glycine 278 with aspartic acid.
Molecular consequence: missense variant.
Genome position (GRCh38, 1-based): chr7:101,212,888, C>T on the plus strand (G>A on the coding strand, the complement: PLOD3 is on the minus strand). VCF-style: chr7-101212888-C-T. GRCh37 (hg19) VCF-style: chr7-100856169-C-T.
Other names: short protein forms G278D.
Identifiers: ClinVar variation 1386463 (VCV001386463.8), dbSNP rs1041461490, ClinGen allele CA163351481.

ClinVar aggregate classification (germline): Uncertain significance (1 of 4 stars; one submission).

Allele frequency attached by ClinVar (database versions not stated): gnomAD 0.00001.
gnomAD v4.1: 11 of 1,613,652 alleles (0.00068%); highest among the groups gnomAD compares: Admixed American, 0.0033%; no homozygotes.

Submission:

Labcorp Genetics (formerly Invitae), Labcorp
Classification: Uncertain significance. Last evaluated: 2021-08-31. Review status: criteria provided, single submitter. Criteria: Invitae Variant Classification Sherloc (09022015). Collection method: clinical testing. Allele origin: germline.
Comment: In summary, the available evidence is currently insufficient to determine the role of this variant in disease. Therefore, it has been classified as a Variant of Uncertain Significance. Algorithms developed to predict the effect of missense changes on protein structure and function are either unavailable or do not agree on the potential impact of this missense change (SIFT: "Tolerated"; PolyPhen-2: "Probably Damaging"; Align-GVGD: "Class C15"). This variant has not been reported in the literature in individuals affected with PLOD3-related conditions. This variant is not present in population databases (ExAC no frequency). This sequence change replaces glycine with aspartic acid at codon 278 of the PLOD3 protein (p.Gly278Asp). The glycine residue is highly conserved and there is a moderate physicochemical difference between glycine and aspartic acid.